The following is an entry in ClinVar:

ClinVar aggregate classification (germline): Uncertain significance (1 of 4 stars; one submission).

Conditions:
Hereditary hyperekplexia. Identifiers: Orphanet 3197, MedGen C4084968, MONDO:0021022.

Allele frequency attached by ClinVar (database versions not stated): TOPMed below 0.00001; gnomAD 0.00001; ExAC 0.00002; gnomAD exomes 0.00002; 1000 Genomes Project 30x 0.00016; 1000 Genomes Project 0.00020.
gnomAD v4.1: 75 of 1,613,786 alleles (0.0046%); highest among the groups gnomAD compares: Non-Finnish European, 0.006%; no homozygotes.

Submission:

Labcorp Genetics (formerly Invitae), Labcorp
Classification: Uncertain significance for Hereditary hyperekplexia. Last evaluated: 2024-06-04. Review status: criteria provided, single submitter. Criteria: Invitae Variant Classification Sherloc (09022015). Collection method: clinical testing. Allele origin: germline.
Comment: This sequence change replaces isoleucine, which is neutral and non-polar, with threonine, which is neutral and polar, at codon 440 of the GLRA1 protein (p.Ile440Thr). This variant is present in population databases (rs555222589, gnomAD 0.006%). This variant has not been reported in the literature in individuals affected with GLRA1-related conditions. ClinVar contains an entry for this variant (Variation ID: 1444286). Advanced modeling of protein sequence and biophysical properties (such as structural, functional, and spatial information, amino acid conservation, physicochemical variation, residue mobility, and thermodynamic stability) has been performed at Invitae for this missense variant, however the output from this modeling did not meet the statistical confidence thresholds required to predict the impact of this variant on GLRA1 protein function. In summary, the available evidence is currently insufficient to determine the role of this variant in disease. Therefore, it has been classified as a Variant of Uncertain Significance.

NM_000171.4(GLRA1):c.1319T>C (p.Ile440Thr)

Gene: GLRA1 (glycine receptor alpha 1; minus strand). Cytogenetic location: 5q33.1.
Variant type: single nucleotide variant.
Coding change: c.1319T>C on transcript NM_000171.4 (MANE Select); coding-DNA position 1319, T replaced by C.
Protein change: p.Ile440Thr; replaces isoleucine 440 with threonine.
Molecular consequence: missense variant.
Genome position (GRCh38, 1-based): chr5:151,822,704, A>G on the plus strand (T>C on the coding strand, the complement: GLRA1 is on the minus strand). VCF-style: chr5-151822704-A-G. GRCh37 (hg19) VCF-style: chr5-151202265-A-G.
Other names: c.1343T>C, p.Ile448Thr (NM_001146040.2); c.1070T>C, p.Ile357Thr (NM_001292000.2); short protein forms I440T, I448T, I357T.
Identifiers: ClinVar variation 1444286 (VCV001444286.8), dbSNP rs555222589, ClinGen allele CA3523461.